The following is an entry in ClinVar:

ClinVar aggregate classification (germline): Likely pathogenic (1 of 4 stars; one submission).

Conditions:
Methylmalonic aciduria due to methylmalonyl-CoA mutase deficiency (MAMM). Also called: Methylmalonic aciduria, mut type. Identifiers: Orphanet 27, MedGen C1855114, MONDO:0009612, OMIM 251000.

Submission:

Myriad Genetics, Inc.
Classification: Likely pathogenic for Methylmalonic aciduria due to methylmalonyl-CoA mutase deficiency. Last evaluated: 2019-11-15. Review status: criteria provided, single submitter. Criteria: Myriad Women's Health Autosomal Recessive and X-Linked Classification Criteria (2019). Collection method: clinical testing. Allele origin: unknown.
Comment: NM_000255.3(MUT):c.706G>T(E236*) is expected to be pathogenic in the context of MUT-related methylmalonic acidemia. This variant is predicted to lead to an abnormal or absent protein product due to the creation of a premature termination codon in MUT, a gene where loss-of-function variants are known to be pathogenic. Please note: this variant was assessed in the context of healthy population screening.

NM_000255.4(MMUT):c.706G>T (p.Glu236Ter)

Gene: MMUT (methylmalonyl-CoA mutase; minus strand). Cytogenetic location: 6p12.3.
Variant type: single nucleotide variant.
Coding change: c.706G>T on transcript NM_000255.4 (MANE Select); coding-DNA position 706, G replaced by T.
Protein change: p.Glu236Ter; replaces glutamic acid 236 with a stop codon.
Molecular consequence: nonsense.
Genome position (GRCh38, 1-based): chr6:49,457,738, C>A on the plus strand (G>T on the coding strand, the complement: MMUT is on the minus strand). VCF-style: chr6-49457738-C-A. GRCh37 (hg19) VCF-style: chr6-49425451-C-A.
Other names: short protein forms E236*.
Identifiers: ClinVar variation 984271 (VCV000984271.3), dbSNP rs1767726007, ClinGen allele CA364403951.
Genomic context (GRCh38, chr6:49,457,738, plus strand): 5'-CCACAAAGTATACCTTTGCTGTATATTCAAATATGTCAGCAATAATTTTCATGGATGGTT[C>A]TGGAGGAAAAATGTATGTATTTCGAACCATAAATTCCTTTAGTATATCATTTTGGATGGT-3'